The following is an entry in ClinVar:

NM_005902.4(SMAD3):c.1211dup (p.Leu404fs)

Gene: SMAD3 (SMAD family member 3; plus strand). Cytogenetic location: 15q22.33.
Variant type: Duplication.
Coding change: c.1211dup on transcript NM_005902.4 (MANE Select); coding-DNA position 1211, one base duplicated (T; older notation c.1211dupT).
Protein change: p.Leu404fs; shifts the reading frame from leucine 404.
Molecular consequence: frameshift variant.
Genome position (GRCh38, 1-based): chr15:67,190,469, T duplicated; the last of 3 consecutive T bases (chr15:67,190,467-67,190,469); duplicating any one gives the same sequence. VCF-style (leftmost placement, unchanged base first): chr15-67190466-C-CT. GRCh37 (hg19) VCF-style: chr15-67482804-C-CT.
Other names: c.896dup, p.Leu299fs (NM_001145102.2, NM_001407016.1); c.1079dup, p.Leu360fs (NM_001145103.2, NM_001407012.1); c.626dup, p.Leu209fs (NM_001145104.2, NM_001407017.1); c.1322dup, p.Leu441fs (NM_001407011.1); c.1073dup, p.Leu358fs (NM_001407013.1); c.1064dup, p.Leu355fs (NM_001407014.1); c.764dup, p.Leu255fs (NM_001407015.1); short protein forms L358fs, L209fs, L255fs, L404fs, L360fs, L441fs, L299fs, L355fs.
Identifiers: ClinVar variation 3445831 (VCV003445831.2).

ClinVar aggregate classification (germline): Conflicting classifications of pathogenicity. Review status: criteria provided, conflicting classifications (1 of 4 stars). 2 submissions from 2 submitters: Likely pathogenic (1); Uncertain significance (1). Last evaluated 2024-11-15.

Conditions:
SMAD3-related disorder. Also called: SMAD3-related condition.
Familial thoracic aortic aneurysm and aortic dissection (TAAD). Also called: Thoracic aortic aneurysms and dissections. Identifiers: Orphanet 91387, MedGen C4707243, MONDO:0019625.

Submissions (2):

Ambry Genetics
Classification: Uncertain significance for Familial thoracic aortic aneurysm and aortic dissection. Last evaluated: 2024-11-15. Review status: criteria provided, single submitter. Criteria: Ambry Variant Classification Scheme 2023. Collection method: clinical testing. Allele origin: germline.
Comment: The c.1211dupT variant, located in coding exon 9 of the SMAD3 gene, results from a duplication of T at nucleotide position 1211, causing a translational frameshift with a predicted alternate stop codon (p.L404Ffs*5). This alteration occurs at the 3' terminus of theSMAD3 gene, is not expected to trigger nonsense-mediated mRNAdecay, and only impacts the last 5% of the protein. The exact functional effect of this alteration is unknown. Based on the available evidence, the clinical significance of this variant remains unclear.

Blueprint Genetics
Classification: Likely pathogenic for SMAD3-related disorders. Last evaluated: 2020-12-04. Review status: criteria provided, single submitter. Criteria: ACMG Guidelines, 2015. Collection method: clinical testing. Allele origin: germline. Affected: yes. Observed: 1 variant allele.